The following is an entry in ClinVar:

NM_015192.4(PLCB1):c.2588G>C (p.Gly863Ala)

Gene: PLCB1 (phospholipase C beta 1; plus strand). Cytogenetic location: 20p12.3.
Variant type: single nucleotide variant.
Coding change: c.2588G>C on transcript NM_015192.4 (MANE Select); coding-DNA position 2588, G replaced by C.
Protein change: p.Gly863Ala; replaces glycine 863 with alanine.
Molecular consequence: missense variant.
Genome position (GRCh38, 1-based): chr20:8,757,110, G>C. VCF-style: chr20-8757110-G-C. GRCh37 (hg19) VCF-style: chr20-8737757-G-C.
Other names: c.2588G>C (NM_015192.2); c.2588G>C, p.Gly863Ala (NM_182734.3); short protein forms G863A.
Identifiers: ClinVar variation 1391037 (VCV001391037.4), dbSNP rs148288081, ClinGen allele CA9760318.
Genomic context (GRCh38, chr20:8,757,110, plus strand): 5'-ATCCTGGAGAAACACCATCAGAGGCTCCAAGTGAAGCGAGAACGACTCCAGCAGAAAATG[G>C]GGTGAATCACACTACAACCCTGACACCCAAGCCACCCTCCCAGGCTCTCCACAGCCAGCC-3'
Protein context (NP_056007.1, residues 853-873): SEARTTPAEN[Gly863Ala]VNHTTTLTPK

ClinVar aggregate classification (germline): Uncertain significance. Review status: criteria provided, multiple submitters, no conflicts (2 of 4 stars). 2 submissions from 2 submitters: Uncertain significance (2). Last evaluated 2026-03-09.

Conditions:
Developmental and epileptic encephalopathy, 12 (DEE12). Identifiers: MedGen C3150988, MONDO:0013389, OMIM 613722.

Allele frequency attached by ClinVar (database versions not stated): ExAC 0.00002; TOPMed 0.00006; gnomAD 0.00007 and 0.00010; ESP Exome Variant Server 0.00015; gnomAD exomes 0.00002.
gnomAD v4.1: 25 of 1,613,322 alleles (0.0015%); highest among the groups gnomAD compares: African/African-American, 0.028%; no homozygotes.

Submissions (2):

GeneDx
Classification: Uncertain significance. Last evaluated: 2026-03-09. Review status: criteria provided, single submitter. Criteria: GeneDx Variant Classification Process June 2021. Collection method: clinical testing. Allele origin: germline.
Comment: In silico analysis suggests that this missense variant does not alter protein structure/function; Has not been previously published as pathogenic or benign to our knowledge

Labcorp Genetics (formerly Invitae), Labcorp
Classification: Uncertain significance for Developmental and epileptic encephalopathy, 12. Last evaluated: 2022-07-05. Review status: criteria provided, single submitter. Criteria: Invitae Variant Classification Sherloc (09022015). Collection method: clinical testing. Allele origin: germline.
Comment: This sequence change replaces glycine, which is neutral and non-polar, with alanine, which is neutral and non-polar, at codon 863 of the PLCB1 protein (p.Gly863Ala). This variant is present in population databases (rs148288081, gnomAD 0.02%). This variant has not been reported in the literature in individuals affected with PLCB1-related conditions. ClinVar contains an entry for this variant (Variation ID: 1391037). Algorithms developed to predict the effect of missense changes on protein structure and function (SIFT, PolyPhen-2, Align-GVGD) all suggest that this variant is likely to be tolerated. In summary, the available evidence is currently insufficient to determine the role of this variant in disease. Therefore, it has been classified as a Variant of Uncertain Significance.